The following is an entry in ClinVar:

NM_139076.3(ABRAXAS1):c.904A>G (p.Lys302Glu)

Gene: ABRAXAS1 (abraxas 1, BRCA1 A complex subunit; minus strand). Cytogenetic location: 4q21.23.
Variant type: single nucleotide variant.
Coding change: c.904A>G on transcript NM_139076.3 (MANE Select); coding-DNA position 904, A replaced by G.
Protein change: p.Lys302Glu; replaces lysine 302 with glutamic acid.
Molecular consequence: missense variant.
Genome position (GRCh38, 1-based): chr4:83,462,795, T>C on the plus strand (A>G on the coding strand, the complement: ABRAXAS1 is on the minus strand). VCF-style: chr4-83462795-T-C. GRCh37 (hg19) VCF-style: chr4-84383948-T-C.
Other names: c.577A>G, p.Lys193Glu (NM_001345962.2); short protein forms K193E, K302E.
Identifiers: ClinVar variation 3449430 (VCV003449430.2).
Genomic context (GRCh38, chr4:83,462,795, plus strand): 5'-TGTCTACTACATCGAGATGGTGGTTGTAGTTACAGCTACTTTTAGAAACATGTCTATTTT[T>C]TAAAGACATAACACATGAATGAAGAAATTCAGAATTTGGAAAAAAGGTCCGTAATGCCTG-3'
Protein context (NP_620775.2, residues 292-312): EFLHSCVMSL[Lys302Glu]NRHVSKSSCN

ClinVar aggregate classification (germline): Uncertain significance (1 of 4 stars; one submission).

gnomAD v4.1: 7 of 1,613,908 alleles (0.00043%); highest among the groups gnomAD compares: South Asian, 0.0077%; no homozygotes.

Submission:

Ambry Genetics
Classification: Uncertain significance. Last evaluated: 2025-09-23. Review status: criteria provided, single submitter. Criteria: Ambry Variant Classification Scheme 2023. Collection method: clinical testing. Allele origin: germline.
Comment: The p.K302E variant (also known as c.904A>G), located in coding exon 9 of the FAM175A gene, results from an A to G substitution at nucleotide position 904. The lysine at codon 302 is replaced by glutamic acid, an amino acid with similar properties. This amino acid position is conserved. In addition, this alteration is predicted to be tolerated by in silico analysis. Based on the available evidence, the clinical significance of this variant remains unclear.